The following is an entry in ClinVar:

NM_032638.5(GATA2):c.1040_1041delinsAT (p.Thr347Asn)

Gene: GATA2 (GATA binding protein 2; minus strand). Cytogenetic location: 3q21.3.
Variant type: Indel.
Coding change: c.1040_1041delinsAT on transcript NM_032638.5 (MANE Select); coding-DNA positions 1040 to 1041, CC replaced by AT.
Protein change: p.Thr347Asn; replaces threonine 347 with asparagine.
Molecular consequence: missense variant. On other transcripts: intron variant (1).
Genome position (GRCh38, 1-based): chr3:128,481,921-128,481,922, GG replaced by AT on the plus strand (CC replaced by AT on the coding strand, the reverse complement: GATA2 is on the minus strand). VCF-style: chr3-128481921-GG-AT. GRCh37 (hg19) VCF-style: chr3-128200764-GG-AT.
Other names: c.1040_1041delinsAT, p.Thr347Asn (NM_001145661.2); c.1018-20_1018-19delinsAT (NM_001145662.1); c.1040_1041delCCinsAT (NM_032638.4); short protein forms T347N.
Identifiers: ClinVar variation 852946 (VCV000852946.10), dbSNP rs2068635002, ClinGen allele CA916081437.

ClinVar aggregate classification (germline): Uncertain significance. Review status: criteria provided, multiple submitters, no conflicts (2 of 4 stars). 2 submissions from 2 submitters: Uncertain significance (2). Last evaluated 2026-09-10.

Conditions:
Inborn genetic diseases. Identifiers: MedGen C0950123, MeSH D030342.
Deafness-lymphedema-leukemia syndrome. Also called: Emberger syndrome; Lymphedema, primary, with myelodysplasia. Identifiers: Orphanet 3226, MedGen C3279664, MONDO:0013540, OMIM 614038.
Monocytopenia with susceptibility to infections. Also called: MONOCYTOPENIA AND MYCOBACTERIAL INFECTION SYNDROME; MONOCYTOPENIA WITH SUSCEPTIBILITY TO MYCOBACTERIAL, FUNGAL, AND PAPILLOMAVIRUS INFECTIONS AND MYELODYSPLASIA; COMBINED IMMUNODEFICIENCY WITH SUSCEPTIBILITY TO MYCOBACTERIAL, VIRAL, AND FUNGAL INFECTIONS; Dendritic cell, monocyte, B lymphocyte, and natural killer lymphocyte deficiency; GATA2 DEFICIENCY; IMMUNODEFICIENCY 21. Identifiers: Orphanet 228423, MedGen C3280030, MONDO:0013607, OMIM 614172.

Submissions (2):

Ambry Genetics
Classification: Uncertain significance for Inborn genetic diseases. Last evaluated: 2026-09-10. Review status: criteria provided, single submitter. Criteria: Ambry Variant Classification Scheme 2023. Collection method: clinical testing. Allele origin: germline.
Comment: The c.1040_1041delCCinsAT variant (also known as p.T347N), located in coding exon 4 of the GATA2 gene, results from an in-frame deletion of CC and insertion of AT at nucleotide positions 1040 to 1041. This results in the substitution of the threonine residue for an asparagine residue at codon 347, an amino acid with similar properties. This amino acid position is highly conserved in available vertebrate species. In addition, this variant is predicted to be deleterious by in silico analysis. Based on the available evidence, the clinical significance of this variant remains unclear.

Labcorp Genetics (formerly Invitae), Labcorp
Classification: Uncertain significance for Monocytopenia with susceptibility to infections; Deafness-lymphedema-leukemia syndrome. Last evaluated: 2025-03-30. Review status: criteria provided, single submitter. Criteria: Invitae Variant Classification Sherloc (09022015). Collection method: clinical testing. Allele origin: germline.
Comment: This sequence change replaces threonine, which is neutral and polar, with asparagine, which is neutral and polar, at codon 347 of the GATA2 protein (p.Thr347Asn). Information on the frequency of this variant in the gnomAD database is not available, as this variant may be reported differently in the database. This variant has not been reported in the literature in individuals affected with GATA2-related conditions. ClinVar contains an entry for this variant (Variation ID: 852946). An algorithm developed to predict the effect of missense changes on protein structure and function (PolyPhen-2) suggests that this variant is likely to be disruptive. In summary, the available evidence is currently insufficient to determine the role of this variant in disease. Therefore, it has been classified as a Variant of Uncertain Significance.